The following is an entry in ClinVar:

ClinVar aggregate classification (germline): Uncertain significance (1 of 4 stars; one submission).

Allele frequency attached by ClinVar (database versions not stated): gnomAD exomes 0.00001 and 0.00002; ExAC 0.00003; ESP Exome Variant Server 0.00008.

Submission:

Labcorp Genetics (formerly Invitae), Labcorp
Classification: Uncertain significance. Last evaluated: 2022-09-01. Review status: criteria provided, single submitter. Criteria: Invitae Variant Classification Sherloc (09022015). Collection method: clinical testing. Allele origin: germline.
Comment: This sequence change replaces lysine, which is basic and polar, with glutamine, which is neutral and polar, at codon 723 of the POLR3A protein (p.Lys723Gln). This variant is present in population databases (rs376927740, gnomAD 0.005%). This variant has not been reported in the literature in individuals affected with POLR3A-related conditions. ClinVar contains an entry for this variant (Variation ID: 1420255). Algorithms developed to predict the effect of missense changes on protein structure and function are either unavailable or do not agree on the potential impact of this missense change (SIFT: "Deleterious"; PolyPhen-2: "Benign"; Align-GVGD: "Class C0"). In summary, the available evidence is currently insufficient to determine the role of this variant in disease. Therefore, it has been classified as a Variant of Uncertain Significance.

NM_007055.4(POLR3A):c.2167A>C (p.Lys723Gln)

Gene: POLR3A (RNA polymerase III subunit A; minus strand). Cytogenetic location: 10q22.3.
Variant type: single nucleotide variant.
Coding change: c.2167A>C on transcript NM_007055.4 (MANE Select); coding-DNA position 2167, A replaced by C.
Protein change: p.Lys723Gln; replaces lysine 723 with glutamine.
Molecular consequence: missense variant.
Genome position (GRCh38, 1-based): chr10:78,004,796, T>G on the plus strand (A>C on the coding strand, the complement: POLR3A is on the minus strand). VCF-style: chr10-78004796-T-G. GRCh37 (hg19) VCF-style: chr10-79764554-T-G.
Other names: short protein forms K723Q.
Identifiers: ClinVar variation 1420255 (VCV001420255.3), dbSNP rs376927740, ClinGen allele CA5571205.